The following is an entry in ClinVar:

ClinVar aggregate classification (germline): Uncertain significance. Review status: criteria provided, multiple submitters, no conflicts (2 of 4 stars). 2 submissions from 2 submitters: Uncertain significance (2). Last evaluated 2025-12-28.

Conditions:
Hereditary cancer-predisposing syndrome. Also called: Tumor predisposition; Neoplastic Syndromes, Hereditary; Hereditary Cancer Syndrome; Hereditary neoplastic syndrome. Identifiers: Orphanet 140162, MedGen C0027672, MeSH D009386, MONDO:0015356.

Submissions (2):

Ambry Genetics
Classification: Uncertain significance for Hereditary cancer-predisposing syndrome. Last evaluated: 2025-12-28. Review status: criteria provided, single submitter. Criteria: Ambry Variant Classification Scheme 2023. Collection method: clinical testing. Allele origin: germline.
Comment: The p.M2935V variant (also known as c.8803A>G), located in coding exon 60 of the ATM gene, results from an A to G substitution at nucleotide position 8803. The methionine at codon 2935 is replaced by valine, an amino acid with highly similar properties. This amino acid position is conserved. In addition, the in silico prediction for this alteration is inconclusive. Based on the available evidence, the clinical significance of this variant remains unclear.

Color Diagnostics, LLC DBA Color Health
Classification: Uncertain significance for Hereditary cancer-predisposing syndrome. Last evaluated: 2023-12-27. Review status: criteria provided, single submitter. Criteria: ACMG Guidelines, 2015. Collection method: clinical testing. Allele origin: germline.
Comment: This missense variant replaces methionine with valine at codon 2935 of the ATM protein. Computational prediction is inconclusive regarding the impact of this variant on protein structure and function (internally defined REVEL score threshold 0.5 < inconclusive < 0.7, PMID: 27666373). To our knowledge, functional studies have not been reported for this variant. This variant has not been reported in individuals affected with ATM-related disorders in the literature. This variant has not been identified in the general population by the Genome Aggregation Database (gnomAD). The available evidence is insufficient to determine the role of this variant in disease conclusively. Therefore, this variant is classified as a Variant of Uncertain Significance.

NM_000051.4(ATM):c.8803A>G (p.Met2935Val)

Genes: ATM (ATM serine/threonine kinase; plus strand), C11orf65 (chromosome 11 open reading frame 65; minus strand). Cytogenetic location: 11q22.3.
Variant type: single nucleotide variant.
Coding change: c.8803A>G on transcript NM_000051.4 (MANE Select); coding-DNA position 8803, A replaced by G.
Protein change: p.Met2935Val; replaces methionine 2935 with valine.
Molecular consequence: missense variant. On other transcripts: intron variant (2).
Genome position (GRCh38, 1-based): chr11:108,354,827, A>G. VCF-style: chr11-108354827-A-G. GRCh37 (hg19) VCF-style: chr11-108225554-A-G.
Other names: c.8803A>G, p.Met2935Val (NM_001351834.2); c.640+31093T>C (NM_001330368.2); c.695-19535T>C (NM_001351110.2); short protein forms M2935V.
Identifiers: ClinVar variation 2774732 (VCV002774732.2), dbSNP rs2137348038, ClinGen allele CA382525661.